The following is an entry in ClinVar:

NM_173076.3(ABCA12):c.6962+2del

Genes: ABCA12 (ATP binding cassette subfamily A member 12; minus strand), SNHG31 (small nucleolar RNA host gene 31; plus strand). Cytogenetic location: 2q35.
Variant type: Deletion.
Coding change: c.6962+2del on transcript NM_173076.3 (MANE Select); the canonical splice donor site of the intron after coding-DNA position 6962, one base deleted (T; older notation c.6962+2delT).
Molecular consequence: splice donor variant.
Genome position (GRCh38, 1-based): chr2:214,949,038, A deleted on the plus strand (T on the coding strand, the reverse complement: ABCA12 is on the minus strand). VCF-style (leftmost placement, unchanged base first): chr2-214949037-TA-T. GRCh37 (hg19) VCF-style: chr2-215813761-TA-T.
Other names: c.6008+2del (NM_015657.4).
Identifiers: ClinVar variation 2850253 (VCV002850253.3), dbSNP rs2469139434, ClinGen allele CA2739279947.

ClinVar aggregate classification (germline): Likely pathogenic (1 of 4 stars; one submission).

Submission:

Labcorp Genetics (formerly Invitae), Labcorp
Classification: Likely pathogenic. Last evaluated: 2023-03-27. Review status: criteria provided, single submitter. Criteria: Invitae Variant Classification Sherloc (09022015). Collection method: clinical testing. Allele origin: germline.
Comment: In summary, the currently available evidence indicates that the variant is pathogenic, but additional data are needed to prove that conclusively. Therefore, this variant has been classified as Likely Pathogenic. Algorithms developed to predict the effect of sequence changes on RNA splicing suggest that this variant may disrupt the consensus splice site. This variant has not been reported in the literature in individuals affected with ABCA12-related conditions. This variant is not present in population databases (gnomAD no frequency). This sequence change affects a splice site in intron 46 of the ABCA12 gene. It is expected to disrupt RNA splicing. Variants that disrupt the donor or acceptor splice site typically lead to a loss of protein function (PMID: 16199547), and loss-of-function variants in ABCA12 are known to be pathogenic (PMID: 20672373).

Literature cited by the submitters: PubMed 16199547; PubMed 20672373.